The following is an entry in ClinVar:

NM_020461.4(TUBGCP6):c.3821C>T (p.Pro1274Leu)

Gene: TUBGCP6 (tubulin gamma complex component 6; minus strand). Cytogenetic location: 22q13.33.
Variant type: single nucleotide variant.
Coding change: c.3821C>T on transcript NM_020461.4 (MANE Select); coding-DNA position 3821, C replaced by T.
Protein change: p.Pro1274Leu; replaces proline 1274 with leucine.
Molecular consequence: missense variant.
Genome position (GRCh38, 1-based): chr22:50,220,538, G>A on the plus strand (C>T on the coding strand, the complement: TUBGCP6 is on the minus strand). VCF-style: chr22-50220538-G-A. GRCh37 (hg19) VCF-style: chr22-50658967-G-A.
Other names: c.3821C>T (NM_020461.3); short protein forms P1274L.
Identifiers: ClinVar variation 1023853 (VCV001023853.4), dbSNP rs372985169, ClinGen allele CA10307810.

ClinVar aggregate classification (germline): Conflicting classifications of pathogenicity. Review status: criteria provided, conflicting classifications (1 of 4 stars). 2 submissions from 2 submitters: Uncertain significance (1); Likely benign (1). Last evaluated 2022-08-21.

Conditions:
Inborn genetic diseases. Identifiers: MedGen C0950123, MeSH D030342.

Allele frequency attached by ClinVar (database versions not stated): gnomAD 0.00007 and 0.00009; gnomAD exomes 0.00007 and 0.00015; ESP Exome Variant Server 0.00008; TOPMed 0.00010; ExAC 0.00017.
gnomAD v4.1: 118 of 1,613,570 alleles (0.0073%); highest among the groups gnomAD compares: South Asian, 0.059%; 2 homozygotes.

Submissions (2):

Labcorp Genetics (formerly Invitae), Labcorp
Classification: Uncertain significance. Last evaluated: 2022-08-21. Review status: criteria provided, single submitter. Criteria: Invitae Variant Classification Sherloc (09022015). Collection method: clinical testing. Allele origin: germline.
Comment: This sequence change replaces proline, which is neutral and non-polar, with leucine, which is neutral and non-polar, at codon 1274 of the TUBGCP6 protein (p.Pro1274Leu). This variant is present in population databases (rs372985169, gnomAD 0.05%). This variant has not been reported in the literature in individuals affected with TUBGCP6-related conditions. ClinVar contains an entry for this variant (Variation ID: 1023853). Algorithms developed to predict the effect of missense changes on protein structure and function (SIFT, PolyPhen-2, Align-GVGD) all suggest that this variant is likely to be tolerated. In summary, the available evidence is currently insufficient to determine the role of this variant in disease. Therefore, it has been classified as a Variant of Uncertain Significance.

Ambry Genetics
Classification: Likely benign for Inborn genetic diseases. Last evaluated: 2022-05-27. Review status: criteria provided, single submitter. Criteria: Ambry Variant Classification Scheme 2023. Collection method: clinical testing. Allele origin: germline.